The following is an entry in ClinVar:

ClinVar aggregate classification (germline): Uncertain significance (1 of 4 stars; one submission).

gnomAD v4.1: 6 of 1,613,442 alleles (0.00037%); highest among the groups gnomAD compares: Non-Finnish European, 0.00051%; no homozygotes.

Submission:

Labcorp Genetics (formerly Invitae), Labcorp
Classification: Uncertain significance. Last evaluated: 2022-09-23. Review status: criteria provided, single submitter. Criteria: Invitae Variant Classification Sherloc (09022015). Collection method: clinical testing. Allele origin: germline.
Comment: This sequence change replaces alanine, which is neutral and non-polar, with glycine, which is neutral and non-polar, at codon 421 of the CFH protein (p.Ala421Gly). This variant is not present in population databases (gnomAD no frequency). This variant has not been reported in the literature in individuals affected with CFH-related conditions. Algorithms developed to predict the effect of missense changes on protein structure and function output the following: SIFT: "Tolerated"; PolyPhen-2: "Benign"; Align-GVGD: "Class C0". The glycine amino acid residue is found in multiple mammalian species, which suggests that this missense change does not adversely affect protein function. In summary, the available evidence is currently insufficient to determine the role of this variant in disease. Therefore, it has been classified as a Variant of Uncertain Significance.

NM_000186.4(CFH):c.1262C>G (p.Ala421Gly)

Gene: CFH (complement factor H; plus strand). Cytogenetic location: 1q31.3.
Variant type: single nucleotide variant.
Coding change: c.1262C>G on transcript NM_000186.4 (MANE Select); coding-DNA position 1262, C replaced by G.
Protein change: p.Ala421Gly; replaces alanine 421 with glycine.
Molecular consequence: missense variant.
Genome position (GRCh38, 1-based): chr1:196,690,165, C>G. VCF-style: chr1-196690165-C-G. GRCh37 (hg19) VCF-style: chr1-196659295-C-G.
Other names: c.1262C>G, p.Ala421Gly (NM_001014975.3); short protein forms A421G.
Identifiers: ClinVar variation 1999928 (VCV001999928.4), dbSNP rs1558162102, ClinGen allele CA343980724.